The following is an entry in ClinVar:

NM_001267550.2(TTN):c.70975G>A (p.Gly23659Ser)

Genes: TTN (titin; minus strand), TTN-AS1 (TTN antisense RNA 1; plus strand). Cytogenetic location: 2q31.2.
Variant type: single nucleotide variant.
Coding change: c.70975G>A on transcript NM_001267550.2 (MANE Select); coding-DNA position 70975, G replaced by A.
Protein change: p.Gly23659Ser; replaces glycine 23659 with serine.
Molecular consequence: missense variant.
Genome position (GRCh38, 1-based): chr2:178,575,157, C>T on the plus strand (G>A on the coding strand, the complement: TTN is on the minus strand). VCF-style: chr2-178575157-C-T. GRCh37 (hg19) VCF-style: chr2-179439884-C-T.
Other names: c.66052G>A, p.Gly22018Ser (NM_001256850.1); c.43780G>A, p.Gly14594Ser (NM_003319.4); c.63271G>A, p.Gly21091Ser (NM_133378.4); c.44155G>A, p.Gly14719Ser (NM_133432.3); c.44356G>A, p.Gly14786Ser (NM_133437.4); short protein forms G21091S, G23659S, G14594S, G14786S, G14719S, G22018S.
Identifiers: ClinVar variation 281841 (VCV000281841.22), dbSNP rs376256345, ClinGen allele CA1990696.
Genomic context (GRCh38, chr2:178,575,157, plus strand): 5'-TCTGTGTCTGTTTAAGAATTTGGTCTCCTTTTTTCCATGTCACTGTGGGCTTCGGTCGAC[C>T]GAGCACTGGAATTTCAACTTTGATGTTGTCACCAGCTTTGGCAATGACCAGTTTCTGATA-3'
Protein context (NP_001254479.2, residues 23649-23669): DNIKVEIPVL[Gly23659Ser]RPKPTVTWKK

ClinVar aggregate classification (germline): Uncertain significance. Review status: criteria provided, multiple submitters, no conflicts (2 of 4 stars). 8 submissions from 8 submitters: Uncertain significance (8). Last evaluated 2026-06-01.

Conditions:
TTN-related disorder. Also called: TTN-related disorders; TTN-related condition; TTN-related disease.
Cardiovascular phenotype. Identifiers: MedGen CN230736.
Autosomal recessive limb-girdle muscular dystrophy type 2J (LGMDR10). Also called: Limb-girdle muscular dystrophy, type 2J; MUSCULAR DYSTROPHY, LIMB-GIRDLE, AUTOSOMAL RECESSIVE 10. Identifiers: Orphanet 140922, MedGen C1837342, MONDO:0012127, OMIM 608807.
Dilated cardiomyopathy 1G (CMD1G). Identifiers: Orphanet 154, MedGen C1858763, MONDO:0011400, OMIM 604145.

Allele frequency attached by ClinVar (database versions not stated): ExAC 0.00003; gnomAD exomes 0.00003 and 0.00004; gnomAD 0.00006; TOPMed 0.00006; ESP Exome Variant Server 0.00008.
gnomAD v4.1: 55 of 1,612,450 alleles (0.0034%); highest among the groups gnomAD compares: Admixed American, 0.022%; no homozygotes.

Submissions (8):

Women's Health and Genetics/Laboratory Corporation of America, LabCorp
Classification: Uncertain significance. Last evaluated: 2026-06-01. Review status: criteria provided, single submitter. Criteria: LabCorp Variant Classification Summary - May 2015. Collection method: clinical testing. Allele origin: germline.
Comment: Variant summary: TTN c.63271G>A (p.Gly21091Ser) results in a non-conservative amino acid change in the encoded protein sequence. Algorithms developed to predict the effect of missense changes on protein structure and function all suggest that this variant is likely to be disruptive. The variant allele was found at a frequency of 4.5e-05 in 246270 control chromosomes. This frequency is not significantly higher than estimated for disease-causing variants in TTN, allowing no conclusion about variant significance. c.63271G>A has been observed in a case of juvenile sudden cardiac death (Campuzano_2014). This report does not provide unequivocal conclusions about association of the variant with disease. To our knowledge, no experimental evidence demonstrating an impact on protein function has been reported. The following publication have been ascertained in the context of this evaluation (PMID: 25447171). ClinVar contains an entry for this variant (Variation ID: 281841). Based on the evidence outlined above, the variant was classified as uncertain significance.

PreventionGenetics, part of Exact Sciences
Classification: Uncertain significance for TTN-related condition. Last evaluated: 2026-05-23. Review status: criteria provided, single submitter. Criteria: ACMG Guidelines, 2015. Collection method: clinical testing. Allele origin: germline.
Comment: The TTN c.70975G>A variant is predicted to result in the amino acid substitution p.Gly23659Ser. This variant has been reported in an infant with sudden cardiac death (Reported as p.G21091S, Campuzano et al. 2014. PubMed ID: 25447171). This variant is reported in 0.014% of alleles in individuals of Latino descent in gnomAD. At this time, the clinical significance of this variant is uncertain due to the absence of conclusive functional and genetic evidence.

CeGaT Center for Human Genetics Tuebingen
Classification: Uncertain significance. Last evaluated: 2025-09-01. Review status: criteria provided, single submitter. Criteria: CeGaT Center For Human Genetics Tuebingen Variant Classification Criteria Version 2. Collection method: clinical testing. Allele origin: germline. Affected: yes. Observed: 1 variant allele.
Comment: TTN: PM2

Athena Diagnostics
Classification: Uncertain significance. Last evaluated: 2025-03-13. Review status: criteria provided, single submitter. Criteria: Athena Diagnostics Criteria. Collection method: clinical testing. Allele origin: unknown.
Comment: Available data are insufficient to determine the clinical significance of the variant at this time. The frequency of this variant in the general population is uninformative in assessment of its pathogenicity. In some published literature, this variant is referred to as c.63271G>A (p.Gly21091Ser). Polyphen and MutationTaster yielded discordant predictions regarding whether this amino acid change is damaging to the protein.

Revvity Omics, Revvity
Classification: Uncertain significance. Last evaluated: 2021-12-17. Review status: criteria provided, single submitter. Criteria: ACMG Guidelines, 2015. Collection method: clinical testing. Allele origin: germline.

Ambry Genetics
Classification: Uncertain significance for Cardiovascular phenotype. Last evaluated: 2018-12-05. Review status: criteria provided, single submitter. Criteria: Ambry Variant Classification Scheme 2023. Collection method: clinical testing. Allele origin: germline.
Comment: The p.G14594S variant (also known as c.43780G>A), located in coding exon 153 of the TTN gene, results from a G to A substitution at nucleotide position 43780. The glycine at codon 14594 is replaced by serine, an amino acid with similar properties. This alteration was reported (as NM_133378.4:c.63271G>A p.G21091S) in a sudden unexplained death case; however, clinical details were not provided and an additional cardiac variant was also detected (Campuzano O et al. Forensic Sci. Int., 2014 12;245:30-7). This amino acid position is highly conserved in available vertebrate species. In addition, the in silico prediction for this alteration is inconclusive. Since supporting evidence is limited at this time, the clinical significance of this alteration remains unclear.

Labcorp Genetics (formerly Invitae), Labcorp
Classification: Uncertain significance for Dilated cardiomyopathy 1G; Autosomal recessive limb-girdle muscular dystrophy type 2J. Last evaluated: 2018-07-03. Review status: criteria provided, single submitter. Criteria: Invitae Variant Classification Sherloc (09022015). Collection method: clinical testing. Allele origin: germline.
Comment: This sequence change replaces glycine with serine at codon 23659 of the TTN protein (p.Gly23659Ser). There is a small physicochemical difference between glycine and serine. This variant is present in population databases (rs376256345, ExAC 0.009%). This variant (also known as G21091S in the literature) has been reported in an individual affected with juvenile sudden cardiac death (PMID: 25447171). ClinVar contains an entry for this variant (Variation ID: 281841). This variant identified in the TTN gene is located in the A band of the resulting protein (PMID: 25589632). It is unclear how this variant impacts the function of this protein. Algorithms developed to predict the effect of missense changes on protein structure and function are unavailable for the TTN gene. In summary, this variant is a rare missense change with unknown impact on protein function. Missense variants in this region of the TTN gene are typically not causative for cardiac disease, but may be relevant for neuromuscular disorders. However, the available evidence is currently insufficient to determine this variant‚Äôs role in disease. Therefore, it has been classified as a Variant of Uncertain Significance

Eurofins Ntd Llc (ga)
Classification: Uncertain significance. Last evaluated: 2015-07-23. Review status: criteria provided, single submitter. Criteria: EGL Classification Definitions 2015. Collection method: clinical testing. Allele origin: germline. Observed: 1 variant allele, 1 heterozygote.

Literature cited by the submitters: PubMed 25447171 (cited by 4 submitters); PubMed 26516846 (cited by Athena Diagnostics); PubMed 36693943 (cited by Athena Diagnostics); PubMed 25589632 (cited by Labcorp Genetics (formerly Invitae), Labcorp).